The following is an entry in ClinVar:

NM_001195553.2(DCX):c.871C>T (p.Gln291Ter)

Gene: DCX (doublecortin; minus strand). Cytogenetic location: Xq23.
Variant type: single nucleotide variant.
Coding change: c.871C>T on transcript NM_001195553.2 (MANE Select); coding-DNA position 871, C replaced by T.
Protein change: p.Gln291Ter; replaces glutamine 291 with a stop codon.
Molecular consequence: nonsense.
Genome position (GRCh38, 1-based): chrX:111,330,979, G>A on the plus strand (C>T on the coding strand, the complement: DCX is on the minus strand). VCF-style: chrX-111330979-G-A. GRCh37 (hg19) VCF-style: chrX-110574207-G-A.
Other names: c.1114C>T, p.Gln372Ter (NM_000555.3); c.871C>T, p.Gln291Ter (NM_001369370.1, NM_001369371.1, NM_001369372.1 and 6 more transcripts); short protein forms Q291*, Q372*.
Identifiers: ClinVar variation 1764435 (VCV001764435.2), dbSNP rs2524691724, ClinGen allele CA414241257.

ClinVar aggregate classification (germline): Pathogenic (1 of 4 stars; one submission).

Conditions:
Inborn genetic diseases. Identifiers: MedGen C0950123, MeSH D030342.

Submission:

Ambry Genetics
Classification: Pathogenic for Inborn genetic diseases. Last evaluated: 2016-10-27. Review status: criteria provided, single submitter. Criteria: Ambry Variant Classification Scheme 2023. Collection method: clinical testing. Allele origin: germline.
Comment: The p.Q291* pathogenic mutation (also known as c.871C>T), located in coding exon 4 of the DCX gene, results from a C to T substitution at nucleotide position 871. This changes the amino acid from a glutamine to a stop codon within coding exon 4. This alteration is expected to result in loss of function by premature protein truncation or nonsense-mediated mRNA decay. As such, this alteration is interpreted as a disease-causing mutation.